The following is an entry in ClinVar:

ClinVar aggregate classification (germline): Uncertain significance (1 of 4 stars; one submission).

Conditions:
FG syndrome (FGS). Identifiers: MedGen C0220769, MONDO:0002010.

Submission:

Labcorp Genetics (formerly Invitae), Labcorp
Classification: Uncertain significance for FG syndrome. Last evaluated: 2024-06-12. Review status: criteria provided, single submitter. Criteria: Invitae Variant Classification Sherloc (09022015). Collection method: clinical testing. Allele origin: germline.
Comment: This sequence change replaces glycine, which is neutral and non-polar, with aspartic acid, which is acidic and polar, at codon 57 of the MED12 protein (p.Gly57Asp). This variant is not present in population databases (gnomAD no frequency). This variant has not been reported in the literature in individuals affected with MED12-related conditions. Advanced modeling of protein sequence and biophysical properties (such as structural, functional, and spatial information, amino acid conservation, physicochemical variation, residue mobility, and thermodynamic stability) has been performed at Invitae for this missense variant, however the output from this modeling did not meet the statistical confidence thresholds required to predict the impact of this variant on MED12 protein function. In summary, the available evidence is currently insufficient to determine the role of this variant in disease. Therefore, it has been classified as a Variant of Uncertain Significance.

NM_005120.3(MED12):c.170G>A (p.Gly57Asp)

Gene: MED12 (mediator complex subunit 12; plus strand). Cytogenetic location: Xq13.1.
Variant type: single nucleotide variant.
Coding change: c.170G>A on transcript NM_005120.3 (MANE Select); coding-DNA position 170, G replaced by A.
Protein change: p.Gly57Asp; replaces glycine 57 with aspartic acid.
Molecular consequence: missense variant.
Genome position (GRCh38, 1-based): chrX:71,119,443, G>A. VCF-style: chrX-71119443-G-A. GRCh37 (hg19) VCF-style: chrX-70339293-G-A.
Other names: short protein forms G57D.
Identifiers: ClinVar variation 3634943 (VCV003634943.2).
Genomic context (GRCh38, chrX:71,119,443, plus strand): 5'-CGGCCTTGAATGTAAAACAAGGTTTCAATAACCAGCCTGCTGTCTCTGGGGATGAGCATG[G>A]CAGTGCCAAGAACGTCAGCTTCAATCCTGCCAAGGTGAGACAACTCTGCCAGGCTGAAGG-3'
Protein context (NP_005111.2, residues 47-67): NQPAVSGDEH[Gly57Asp]SAKNVSFNPA